The following is an entry in ClinVar:

NM_000275.3(OCA2):c.2501T>A (p.Val834Glu)

Gene: OCA2 (OCA2 melanosomal transmembrane protein; minus strand). Cytogenetic location: 15q12.
Variant type: single nucleotide variant.
Coding change: c.2501T>A on transcript NM_000275.3 (MANE Select); coding-DNA position 2501, T replaced by A.
Protein change: p.Val834Glu; replaces valine 834 with glutamic acid.
Molecular consequence: missense variant.
Genome position (GRCh38, 1-based): chr15:27,755,404, A>T on the plus strand (T>A on the coding strand, the complement: OCA2 is on the minus strand). VCF-style: chr15-27755404-A-T. GRCh37 (hg19) VCF-style: chr15-28000550-A-T.
Other names: c.2429T>A, p.Val810Glu (NM_001300984.2); short protein forms V810E, V834E.
Identifiers: ClinVar variation 1477436 (VCV001477436.5), dbSNP rs759396151, ClinGen allele CA7438550.

ClinVar aggregate classification (germline): Uncertain significance (1 of 4 stars; one submission).

Allele frequency attached by ClinVar (database versions not stated): gnomAD exomes below 0.00001 and 0.00001; ExAC 0.00001; gnomAD 0.00004 and 0.00005.
gnomAD v4.1: 11 of 1,613,206 alleles (0.00068%); highest among the groups gnomAD compares: African/African-American, 0.015%; no homozygotes.

Submission:

Labcorp Genetics (formerly Invitae), Labcorp
Classification: Uncertain significance. Last evaluated: 2022-06-20. Review status: criteria provided, single submitter. Criteria: Invitae Variant Classification Sherloc (09022015). Collection method: clinical testing. Allele origin: germline.
Comment: This sequence change replaces valine, which is neutral and non-polar, with glutamic acid, which is acidic and polar, at codon 834 of the OCA2 protein (p.Val834Glu). This variant is present in population databases (rs759396151, gnomAD 0.01%). This variant has not been reported in the literature in individuals affected with OCA2-related conditions. Algorithms developed to predict the effect of missense changes on protein structure and function are either unavailable or do not agree on the potential impact of this missense change (SIFT: "Deleterious"; PolyPhen-2: "Probably Damaging"; Align-GVGD: "Class C0"). In summary, the available evidence is currently insufficient to determine the role of this variant in disease. Therefore, it has been classified as a Variant of Uncertain Significance.